The following is an entry in ClinVar:

ClinVar aggregate classification (germline): Uncertain significance (1 of 4 stars; one submission).

Submission:

Laboratory for Molecular Medicine, Mass General Brigham Personalized Medicine
Classification: Uncertain significance. Last evaluated: 2010-11-03. Review status: criteria provided, single submitter. Criteria: LMM Criteria. Collection method: clinical testing. Allele origin: germline. Observed: 1 variant allele.
Comment: Variant classified as Uncertain Significance - Favor Pathogenic. The 616+1G>A va riant has not been reported in the literature. This variant is predicted to cau se abnormal splicing because the nucleotide substitution occurs in the highly co nserved splice consensus sequence. Splice variants can lead to aberrant, truncat ed, or absent protein and in most genes, are typically assumed to be disease cau sing. However, all disease causing variants in the ACTC gene known to date are missense variants and it is therefore unclear whether abnormal splicing can lead to disease. Although we cannot exclude the p ossibility that this variant could be benign, this low frequency increases the l ikelihood that it is pathogenic. In summary, additional studies (healthy control studies and/or family studies) are necessary to determine the significance of t he 616+1 variant.

Literature cited by the submitters: PubMed 9114002; PubMed 17947298.

NM_005159.5(ACTC1):c.616+1G>A

Genes: ACTC1 (actin alpha cardiac muscle 1; minus strand), GJD2-DT (GJD2 divergent transcript; plus strand). Cytogenetic location: 15q14.
Variant type: single nucleotide variant.
Coding change: c.616+1G>A on transcript NM_005159.5 (MANE Select); the canonical splice donor site of the intron after coding-DNA position 616, G replaced by A.
Molecular consequence: splice donor variant.
Genome position (GRCh38, 1-based): chr15:34,792,407, C>T on the plus strand (G>A on the coding strand, the complement: ACTC1 is on the minus strand). VCF-style: chr15-34792407-C-T. GRCh37 (hg19) VCF-style: chr15-35084608-C-T.
Other names: c.616+1G>A (NM_001406483.1, NM_001406482.1); c.175+1G>A (NM_001406485.1); c.481+1G>A (NM_001406484.1).
Identifiers: ClinVar variation 45184 (VCV000045184.4), dbSNP rs111904141, ClinGen allele CA019848.